The following is an entry in ClinVar:

NM_182925.5(FLT4):c.3870G>C (p.Arg1290Ser)

Gene: FLT4 (fms related receptor tyrosine kinase 4; minus strand). Cytogenetic location: 5q35.3.
Variant type: single nucleotide variant.
Coding change: c.3870G>C on transcript NM_182925.5 (MANE Select); coding-DNA position 3870, G replaced by C.
Protein change: p.Arg1290Ser; replaces arginine 1290 with serine.
Molecular consequence: missense variant.
Genome position (GRCh38, 1-based): chr5:180,608,991, C>G on the plus strand (G>C on the coding strand, the complement: FLT4 is on the minus strand). VCF-style: chr5-180608991-C-G. GRCh37 (hg19) VCF-style: chr5-180035991-C-G.
Other names: c.3870G>C, p.Arg1290Ser (NM_001354989.2, NM_002020.5); short protein forms R1290S.
Identifiers: ClinVar variation 3377884 (VCV003377884.1).

ClinVar aggregate classification (germline): Uncertain significance (1 of 4 stars; one submission).

Submission:

GeneDx
Classification: Uncertain significance. Last evaluated: 2024-05-16. Review status: criteria provided, single submitter. Criteria: GeneDx Variant Classification Process June 2021. Collection method: clinical testing. Allele origin: germline. Affected: yes.
Comment: Not observed at significant frequency in large population cohorts (gnomAD); In silico analysis indicates that this missense variant does not alter protein structure/function; Has not been previously published as pathogenic or benign to our knowledge